The following is an entry in ClinVar:

ClinVar aggregate classification (germline): Uncertain significance (1 of 4 stars; one submission).

Conditions:
Nemaline myopathy 8 (NEM8). Also called: Nemaline myopathy 8, autosomal recessive. Identifiers: Orphanet 171430, MedGen C3809209, MONDO:0014138, OMIM 615348.

Submission:

Labcorp Genetics (formerly Invitae), Labcorp
Classification: Uncertain significance for Nemaline myopathy 8. Last evaluated: 2022-01-04. Review status: criteria provided, single submitter. Criteria: Invitae Variant Classification Sherloc (09022015). Collection method: clinical testing. Allele origin: germline.
Comment: In summary, the available evidence is currently insufficient to determine the role of this variant in disease. Therefore, it has been classified as a Variant of Uncertain Significance. Algorithms developed to predict the effect of missense changes on protein structure and function are either unavailable or do not agree on the potential impact of this missense change (SIFT: "Deleterious"; PolyPhen-2: "Possibly Damaging"; Align-GVGD: "Class C0"). This variant has not been reported in the literature in individuals affected with KLHL40-related conditions. This variant is not present in population databases (gnomAD no frequency). This sequence change replaces alanine, which is neutral and non-polar, with glycine, which is neutral and non-polar, at codon 202 of the KLHL40 protein (p.Ala202Gly).

NM_152393.4(KLHL40):c.605C>G (p.Ala202Gly)

Gene: KLHL40 (kelch like family member 40; plus strand). Cytogenetic location: 3p22.1.
Variant type: single nucleotide variant.
Coding change: c.605C>G on transcript NM_152393.4 (MANE Select); coding-DNA position 605, C replaced by G.
Protein change: p.Ala202Gly; replaces alanine 202 with glycine.
Molecular consequence: missense variant.
Genome position (GRCh38, 1-based): chr3:42,686,223, C>G. VCF-style: chr3-42686223-C-G. GRCh37 (hg19) VCF-style: chr3-42727715-C-G.
Other names: short protein forms A202G.
Identifiers: ClinVar variation 2414400 (VCV002414400.6), dbSNP rs746474867, ClinGen allele CA352290026.